The following is an entry in ClinVar:

NM_007294.4(BRCA1):c.4167_4170del (p.Ser1389fs)

Gene: BRCA1 (BRCA1 DNA repair associated; minus strand). Cytogenetic location: 17q21.31.
Variant type: Deletion.
Coding change: c.4167_4170del on transcript NM_007294.4 (MANE Select); coding-DNA positions 4167 to 4170, 4 bases deleted (TGAC; older notation c.4167_4170delTGAC).
Protein change: p.Ser1389fs; shifts the reading frame from serine 1389.
Molecular consequence: frameshift variant. On other transcripts: non-coding transcript variant (1).
Genome position (GRCh38, 1-based): chr17:43,090,959-43,090,962, GTCA deleted on the plus strand (TGAC on the coding strand, the reverse complement: BRCA1 is on the minus strand). VCF-style (leftmost placement, unchanged base first): chr17-43090958-TGTCA-T. GRCh37 (hg19) VCF-style: chr17-41242975-TGTCA-T.
Other names: 4286del4; c.3954_3957delTGAC, p.Ser1318Argfs (NM_001407571.1, NM_001407853.1, NM_001407894.1 and 9 more transcripts); c.4167_4170delTGAC, p.Ser1389Argfs (NM_001407581.1, NM_001407582.1, NM_001407583.1 and 29 more transcripts); c.4164_4167delTGAC, p.Ser1388Argfs (NM_001407587.1, NM_001407590.1, NM_001407591.1 and 22 more transcripts); c.4158_4161delTGAC, p.Ser1386Argfs (NM_001407646.1, NM_001407647.1); c.4044_4047delTGAC, p.Ser1348Argfs (NM_001407648.1, NM_001407664.1, NM_001407665.1 and 19 more transcripts); c.4041_4044delTGAC, p.Ser1347Argfs (NM_001407649.1, NM_001407670.1, NM_001407671.1 and 11 more transcripts); c.4089_4092delTGAC, p.Ser1363Argfs (NM_001407653.1, NM_001407654.1, NM_001407655.1 and 4 more transcripts); and 45 more; short protein forms S1342fs, S1389fs, S286fs.
Identifiers: ClinVar variation 55121 (VCV000055121.3), dbSNP rs80357538, ClinGen allele CA002668.

ClinVar aggregate classification (germline): Pathogenic. Review status: reviewed by expert panel (3 of 4 stars). 2 submissions from 2 submitters: Pathogenic (1). 1 of the submissions does not count toward it. Last evaluated 2016-09-08.

Conditions:
Breast-ovarian cancer, familial, susceptibility to, 1 (BROVCA1). Also called: BRCA1 Hereditary Breast and Ovarian Cancer; OVARIAN CANCER, SUSCEPTIBILITY TO. Identifiers: Orphanet 145, MedGen C2676676, MONDO:0011450, OMIM 604370. Disease mechanism: loss of function.

Submissions (2):

Evidence-based Network for the Interpretation of Germline Mutant Alleles (ENIGMA)
Classification: Pathogenic for Breast-ovarian cancer, familial, susceptibility to, 1. Last evaluated: 2016-09-08. Review status: reviewed by expert panel. Criteria: ENIGMA BRCA1/2 Classification Criteria (2015). Collection method: curation. Allele origin: germline.
Comment: Variant allele predicted to encode a truncated non-functional protein.

Breast Cancer Information Core (BIC) (BRCA1)
Classification: Pathogenic for Breast-ovarian cancer, familial 1. Last evaluated: 2003-07-22. Review status: no assertion criteria provided. Collection method: clinical testing. Allele origin: germline. Affected: yes. Observed: 1 variant allele. Not counted in ClinVar's aggregate classification.